The following is an entry in ClinVar:

ClinVar aggregate classification (germline): Uncertain significance (1 of 4 stars; one submission).

Conditions:
Charcot-Marie-Tooth disease type 4A. Also called: Charcot-Marie-Tooth disease, demyelinating, autosomal recessive, type 4a. Identifiers: Orphanet 99948, MedGen C1859198, MONDO:0008961, OMIM 214400.

Allele frequency attached by ClinVar (database versions not stated): gnomAD 0.00001; TOPMed 0.00001.

Submission:

Labcorp Genetics (formerly Invitae), Labcorp
Classification: Uncertain significance for Charcot-Marie-Tooth disease type 4A. Last evaluated: 2024-12-02. Review status: criteria provided, single submitter. Criteria: Invitae Variant Classification Sherloc (09022015). Collection method: clinical testing. Allele origin: germline.
Comment: This sequence change replaces valine, which is neutral and non-polar, with phenylalanine, which is neutral and non-polar, at codon 24 of the GDAP1 protein (p.Val24Phe). This variant is present in population databases (no rsID available, gnomAD 0.06%). This variant has not been reported in the literature in individuals affected with GDAP1-related conditions. ClinVar contains an entry for this variant (Variation ID: 934706). Invitae Evidence Modeling of protein sequence and biophysical properties (such as structural, functional, and spatial information, amino acid conservation, physicochemical variation, residue mobility, and thermodynamic stability) indicates that this missense variant is expected to disrupt GDAP1 protein function with a positive predictive value of 95%. In summary, the available evidence is currently insufficient to determine the role of this variant in disease. Therefore, it has been classified as a Variant of Uncertain Significance.

NM_018972.4(GDAP1):c.70G>T (p.Val24Phe)

Genes: GDAP1 (ganglioside induced differentiation associated protein 1; plus strand), LOC130000622 (ATAC-STARR-seq lymphoblastoid active region 27542; plus strand). Cytogenetic location: 8q21.11.
Variant type: single nucleotide variant.
Coding change: c.70G>T on transcript NM_018972.4 (MANE Select); coding-DNA position 70, G replaced by T.
Protein change: p.Val24Phe; replaces valine 24 with phenylalanine.
Molecular consequence: missense variant. On other transcripts: 5 prime UTR variant (2), intron variant (1).
Genome position (GRCh38, 1-based): chr8:74,350,531, G>T. VCF-style: chr8-74350531-G-T. GRCh37 (hg19) VCF-style: chr8-75262766-G-T.
Other names: c.-113G>T (NM_001362929.2); c.70G>T, p.Val24Phe (NM_001362930.2, NM_001362931.2); c.-65G>T (NM_001362932.2); c.-64+59G>T (NM_001040875.4); short protein forms V24F.
Identifiers: ClinVar variation 934706 (VCV000934706.10), dbSNP rs1406620213, ClinGen allele CA371499110.